The following is an entry in ClinVar:

NM_033629.6(TREX1):c.-68T>C

Genes: ATRIP (ATR interacting protein; plus strand), ATRIP-TREX1 (ATRIP-TREX1 readthrough; plus strand), TREX1 (three prime repair exonuclease 1; plus strand). Cytogenetic location: 3p21.31.
Variant type: single nucleotide variant.
Coding change: c.-68T>C on transcript NM_033629.6 (MANE Select); 68 bases upstream of the start codon, T replaced by C.
Molecular consequence: 5 prime UTR variant. On other transcripts: non-coding transcript variant (1), 3 prime UTR variant (4), intron variant (1).
Genome position (GRCh38, 1-based): chr3:48,466,268, T>C. VCF-style: chr3-48466268-T-C. GRCh37 (hg19) VCF-style: chr3-48507667-T-C.
Other names: c.*714T>C (NM_001271022.2, NM_001271023.2, NM_032166.4 and 1 more transcripts); c.-19+99T>C (NM_007248.5).
Identifiers: ClinVar variation 345769 (VCV000345769.7), dbSNP rs3135941, ClinGen allele CA10616822.

ClinVar aggregate classification (germline): Benign. Review status: criteria provided, multiple submitters, no conflicts (2 of 4 stars). 2 submissions from 2 submitters: Benign (2). Last evaluated 2018-04-24.

Allele frequency attached by ClinVar (database versions not stated): 1000 Genomes Project 0.11482; 1000 Genomes Project 30x 0.11805; TOPMed 0.13532; gnomAD 0.13734 and 0.13944.
gnomAD v4.1: 103,452 of 618,612 alleles (17%); highest among the groups gnomAD compares: South Asian, 20%; 9,760 homozygotes.

Submissions (2):

GeneDx
Classification: Benign. Last evaluated: 2018-04-24. Review status: criteria provided, single submitter. Criteria: GeneDx Variant Classification (06012015). Collection method: clinical testing. Allele origin: germline. Affected: yes.
Comment: This variant is considered likely benign or benign based on one or more of the following criteria: it is a conservative change, it occurs at a poorly conserved position in the protein, it is predicted to be benign by multiple in silico algorithms, and/or has population frequency not consistent with disease.

Breakthrough Genomics
Classification: Benign. Review status: criteria provided, single submitter. Criteria: ACMG Guidelines, 2015. Collection method: not provided. Allele origin: germline. Inheritance: Autosomal dominant inheritance. Affected: yes.